The following is an entry in ClinVar:

ClinVar aggregate classification (germline): Uncertain significance. Review status: criteria provided, multiple submitters, no conflicts (2 of 4 stars). 3 submissions from 3 submitters: Uncertain significance (3). Last evaluated 2024-01-30.

Conditions:
Hemolytic anemia due to glucophosphate isomerase deficiency (CNSHA4). Also called: ANEMIA, CONGENITAL, NONSPHEROCYTIC HEMOLYTIC, 4. Identifiers: Orphanet 712, MedGen C0272064, MONDO:0013275, OMIM 613470.
Inborn genetic diseases. Identifiers: MedGen C0950123, MeSH D030342.

Allele frequency attached by ClinVar (database versions not stated): gnomAD exomes 0.00005; ESP Exome Variant Server 0.00054; ExAC 0.00012; gnomAD 0.00036; TOPMed 0.00043; 1000 Genomes Project 30x 0.00047; 1000 Genomes Project 0.00040.
gnomAD v4.1: 130 of 1,613,682 alleles (0.0081%); highest among the groups gnomAD compares: African/African-American, 0.11%; no homozygotes.

Submissions (3):

Mayo Clinic Laboratories, Mayo Clinic
Classification: Uncertain significance. Last evaluated: 2024-01-30. Review status: criteria provided, single submitter. Criteria: ACMG Guidelines, 2015. Collection method: clinical testing. Allele origin: germline. Observed: 1 variant allele.

Revvity Omics, Revvity
Classification: Uncertain significance for Hemolytic anemia due to glucophosphate isomerase deficiency. Last evaluated: 2023-01-09. Review status: criteria provided, single submitter. Criteria: ACMG Guidelines, 2015. Collection method: clinical testing. Allele origin: germline.

Ambry Genetics
Classification: Uncertain significance for Inborn genetic diseases. Last evaluated: 2021-02-19. Review status: criteria provided, single submitter. Criteria: Ambry Variant Classification Scheme 2023. Collection method: clinical testing. Allele origin: germline.
Comment: The c.926C>T (p.T309M) alteration is located in exon 12 (coding exon 12) of the GPI gene. This alteration results from a C to T substitution at nucleotide position 926, causing the threonine (T) at amino acid position 309 to be replaced by a methionine (M). The p.T309M alteration is predicted to be tolerated by in silico analysis. Based on insufficient or conflicting evidence, the clinical significance of this alteration remains unclear.

NM_000175.5(GPI):c.926C>T (p.Thr309Met)

Gene: GPI (glucose-6-phosphate isomerase; plus strand). Cytogenetic location: 19q13.11.
Variant type: single nucleotide variant.
Coding change: c.926C>T on transcript NM_000175.5 (MANE Select); coding-DNA position 926, C replaced by T.
Protein change: p.Thr309Met; replaces threonine 309 with methionine.
Molecular consequence: missense variant.
Genome position (GRCh38, 1-based): chr19:34,393,930, C>T. VCF-style: chr19-34393930-C-T. GRCh37 (hg19) VCF-style: chr19-34884835-C-T.
Other names: p.Thr309Met; c.959C>T, p.Thr320Met (NM_001184722.1); c.1043C>T, p.Thr348Met (NM_001289789.1); c.842C>T, p.Thr281Met (NM_001289790.3); c.926C>T, p.Thr309Met (NM_001329909.1, NM_001329910.1, NM_001329911.2); short protein forms T320M, T309M, T281M, T348M.
Identifiers: ClinVar variation 2364276 (VCV002364276.6), dbSNP rs138381340, ClinGen allele CA9367303.